The following is an entry in ClinVar:

NM_175053.4(KRT74):c.1136G>T (p.Arg379Leu)

Gene: KRT74 (keratin 74; minus strand). Cytogenetic location: 12q13.13.
Variant type: single nucleotide variant.
Coding change: c.1136G>T on transcript NM_175053.4 (MANE Select); coding-DNA position 1136, G replaced by T.
Protein change: p.Arg379Leu; replaces arginine 379 with leucine.
Molecular consequence: missense variant.
Genome position (GRCh38, 1-based): chr12:52,568,388, C>A on the plus strand (G>T on the coding strand, the complement: KRT74 is on the minus strand). VCF-style: chr12-52568388-C-A. GRCh37 (hg19) VCF-style: chr12-52962172-C-A.
Other names: short protein forms R379L.
Identifiers: ClinVar variation 4798709 (VCV004798709.1).

ClinVar aggregate classification (germline): Uncertain significance (1 of 4 stars; one submission).

gnomAD v4.1: 523 of 1,614,000 alleles (0.032%); highest among the groups gnomAD compares: Non-Finnish European, 0.04%; no homozygotes.

Submission:

Labcorp Genetics (formerly Invitae), Labcorp
Classification: Uncertain significance. Last evaluated: 2025-09-07. Review status: criteria provided, single submitter. Criteria: Invitae Variant Classification Sherloc (09022015). Collection method: clinical testing. Allele origin: germline.
Comment: This sequence change replaces arginine, which is basic and polar, with leucine, which is neutral and non-polar, at codon 379 of the KRT74 protein (p.Arg379Leu). This variant is present in population databases (rs143748352, gnomAD 0.04%), and has an allele count higher than expected for a pathogenic variant. This variant has not been reported in the literature in individuals affected with KRT74-related conditions. An algorithm developed to predict the effect of missense changes on protein structure and function (PolyPhen-2) suggests that this variant is likely to be tolerated. In summary, the available evidence is currently insufficient to determine the role of this variant in disease. Therefore, it has been classified as a Variant of Uncertain Significance.